The following is an entry in ClinVar:

ClinVar aggregate classification (germline): Conflicting classifications of pathogenicity. Review status: criteria provided, conflicting classifications (1 of 4 stars). 6 submissions from 6 submitters: Uncertain significance (1); Likely benign (4). 1 of the submissions does not count toward it. Last evaluated 2026-02-01.

Conditions:
KCNA1-related disorder. Also called: KCNA1-related condition; KCNA1-related disorders.
Inborn genetic diseases. Identifiers: MedGen C0950123, MeSH D030342.
Episodic ataxia type 1 (EA1). Also called: MYOKYMIA WITH PERIODIC ATAXIA; PAROXYSMAL ATAXIA WITH NEUROMYOTONIA, HEREDITARY; Episodic ataxia/myokymia syndrome; ATAXIA, EPISODIC, WITH MYOKYMIA. Identifiers: Orphanet 37612, Orphanet 972, MedGen C1719788, MONDO:0008047, OMIM 160120.

Allele frequency attached by ClinVar (database versions not stated): 1000 Genomes Project 30x 0.00016; 1000 Genomes Project 0.00020; gnomAD 0.00021; gnomAD exomes 0.00022 and 0.00036; ExAC 0.00023; TOPMed 0.00024; ESP Exome Variant Server 0.00054.
gnomAD v4.1: 553 of 1,614,208 alleles (0.034%); highest among the groups gnomAD compares: Non-Finnish European, 0.044%; no homozygotes.

Submissions (6):

CeGaT Center for Human Genetics Tuebingen
Classification: Likely benign. Last evaluated: 2026-02-01. Review status: criteria provided, single submitter. Criteria: CeGaT Center For Human Genetics Tuebingen Variant Classification Criteria Version 2. Collection method: clinical testing. Allele origin: germline. Affected: yes. Observed: 3 variant alleles.
Comment: KCNA1: BS2

Labcorp Genetics (formerly Invitae), Labcorp
Classification: Uncertain significance for Episodic ataxia type 1. Last evaluated: 2025-12-15. Review status: criteria provided, single submitter. Criteria: Invitae Variant Classification Sherloc (09022015). Collection method: clinical testing. Allele origin: germline.
Comment: This sequence change replaces leucine, which is neutral and non-polar, with methionine, which is neutral and non-polar, at codon 46 of the KCNA1 protein (p.Leu46Met). This variant is present in population databases (rs149959487, gnomAD 0.04%), and has an allele count higher than expected for a pathogenic variant. This variant has not been reported in the literature in individuals affected with KCNA1-related conditions. ClinVar contains an entry for this variant (Variation ID: 639858). Invitae Evidence Modeling of protein sequence and biophysical properties (such as structural, functional, and spatial information, amino acid conservation, physicochemical variation, residue mobility, and thermodynamic stability) indicates that this missense variant is not expected to disrupt KCNA1 protein function with a negative predictive value of 80%. In summary, the available evidence is currently insufficient to determine the role of this variant in disease. Therefore, it has been classified as a Variant of Uncertain Significance.

Blueprint Genetics
Classification: Likely benign. Last evaluated: 2024-10-23. Review status: criteria provided, single submitter. Criteria: ACMG Guidelines, 2015. Collection method: clinical testing. Allele origin: germline.

Athena Diagnostics
Classification: Likely benign. Last evaluated: 2023-12-06. Review status: criteria provided, single submitter. Criteria: Athena Diagnostics Criteria. Collection method: clinical testing. Allele origin: unknown.

Ambry Genetics
Classification: Likely benign for Inborn genetic diseases. Last evaluated: 2023-08-22. Review status: criteria provided, single submitter. Criteria: Ambry Variant Classification Scheme 2023. Collection method: clinical testing. Allele origin: germline.

PreventionGenetics, part of Exact Sciences
Classification: Likely benign for KCNA1-related condition. Last evaluated: 2021-04-29. Review status: no assertion criteria provided. Collection method: clinical testing. Allele origin: germline. Not counted in ClinVar's aggregate classification.
Comment: This variant is classified as likely benign based on ACMG/AMP sequence variant interpretation guidelines (Richards et al. 2015 PMID: 25741868, with internal and published modifications).

NM_000217.3(KCNA1):c.136C>A (p.Leu46Met)

Gene: KCNA1 (potassium voltage-gated channel subfamily A member 1; plus strand). Cytogenetic location: 12p13.32.
Variant type: single nucleotide variant.
Coding change: c.136C>A on transcript NM_000217.3 (MANE Select); coding-DNA position 136, C replaced by A.
Protein change: p.Leu46Met; replaces leucine 46 with methionine.
Molecular consequence: missense variant.
Genome position (GRCh38, 1-based): chr12:4,911,514, C>A. VCF-style: chr12-4911514-C-A. GRCh37 (hg19) VCF-style: chr12-5020680-C-A.
Other names: short protein forms L46M.
Identifiers: ClinVar variation 639858 (VCV000639858.50), dbSNP rs149959487, ClinGen allele CA6399349.